The following is an entry in ClinVar:

ClinVar aggregate classification (germline): Uncertain significance (1 of 4 stars; one submission).

Conditions:
RPGRIP1L-related disorder. Also called: RPGRIP1L-related disorders; RPGRIP1L-related condition. Identifiers: MedGen CN239416.

gnomAD v4.1: 1 of 1,609,130 alleles (0.000062%); highest among the groups gnomAD compares: Admixed American, 0.0017%; no homozygotes.

Submission:

PreventionGenetics, part of Exact Sciences
Classification: Uncertain significance for RPGRIP1L-related condition. Last evaluated: 2026-06-16. Review status: criteria provided, single submitter. Criteria: ACMG Guidelines, 2015. Collection method: clinical testing. Allele origin: germline.
Comment: The RPGRIP1L c.560A>G variant is predicted to result in the amino acid substitution p.Glu187Gly. To our knowledge, this variant has not been reported in the literature. This variant is reported in 0.0058% of alleles in individuals of Latino descent in gnomAD. At this time, the clinical significance of this variant is uncertain due to the absence of conclusive functional and genetic evidence.

NM_015272.5(RPGRIP1L):c.560A>G (p.Glu187Gly)

Gene: RPGRIP1L (RPGRIP1 like; minus strand). Cytogenetic location: 16q12.2.
Variant type: single nucleotide variant.
Coding change: c.560A>G on transcript NM_015272.5 (MANE Select); coding-DNA position 560, A replaced by G.
Protein change: p.Glu187Gly; replaces glutamic acid 187 with glycine.
Molecular consequence: missense variant.
Genome position (GRCh38, 1-based): chr16:53,687,935, T>C on the plus strand (A>G on the coding strand, the complement: RPGRIP1L is on the minus strand). VCF-style: chr16-53687935-T-C. GRCh37 (hg19) VCF-style: chr16-53721847-T-C.
Other names: c.560A>G, p.Glu187Gly (NM_001127897.4, NM_001308334.3, NM_001330538.2); short protein forms E187G.
Identifiers: ClinVar variation 4987790 (VCV004987790.1).